The following is an entry in ClinVar:

ClinVar aggregate classification (germline): Uncertain significance (0 of 4 stars; one submission).

Conditions:
SEMA3F-related disorder. Also called: SEMA3F-related condition.

Submission:

PreventionGenetics, part of Exact Sciences
Classification: Uncertain significance for SEMA3F-related condition. Last evaluated: 2023-12-26. Review status: no assertion criteria provided. Collection method: clinical testing. Allele origin: germline.
Comment: The SEMA3F c.427A>G variant is predicted to result in the amino acid substitution p.Thr143Ala. To our knowledge, this variant has not been reported in the literature or in a large population database, indicating this variant is rare. At this time, the clinical significance of this variant is uncertain due to the absence of conclusive functional and genetic evidence.

NM_004186.5(SEMA3F):c.427A>G (p.Thr143Ala)

Gene: SEMA3F (semaphorin 3F; plus strand). Cytogenetic location: 3p21.31.
Variant type: single nucleotide variant.
Coding change: c.427A>G on transcript NM_004186.5 (MANE Select); coding-DNA position 427, A replaced by G.
Protein change: p.Thr143Ala; replaces threonine 143 with alanine.
Molecular consequence: missense variant.
Genome position (GRCh38, 1-based): chr3:50,174,321, A>G. VCF-style: chr3-50174321-A-G. GRCh37 (hg19) VCF-style: chr3-50211754-A-G.
Other names: c.223A>G, p.Thr75Ala (NM_001318798.2); c.427A>G, p.Thr143Ala (NM_001318800.2); short protein forms T143A, T75A.
Identifiers: ClinVar variation 3348432 (VCV003348432.1).